The following is an entry in ClinVar:

NM_004369.4(COL6A3):c.6416A>T (p.Lys2139Ile)

Gene: COL6A3 (collagen type VI alpha 3 chain; minus strand). Cytogenetic location: 2q37.3.
Variant type: single nucleotide variant.
Coding change: c.6416A>T on transcript NM_004369.4 (MANE Select); coding-DNA position 6416, A replaced by T.
Protein change: p.Lys2139Ile; replaces lysine 2139 with isoleucine.
Molecular consequence: missense variant.
Genome position (GRCh38, 1-based): chr2:237,358,576, T>A on the plus strand (A>T on the coding strand, the complement: COL6A3 is on the minus strand). VCF-style: chr2-237358576-T-A. GRCh37 (hg19) VCF-style: chr2-238267219-T-A.
Other names: c.4595A>T, p.Lys1532Ile (NM_057166.5); c.5798A>T, p.Lys1933Ile (NM_057167.4); short protein forms K1532I, K1933I, K2139I.
Identifiers: ClinVar variation 2993347 (VCV002993347.3), dbSNP rs2469856753, ClinGen allele CA351215459.
Genomic context (GRCh38, chr2:237,358,576, plus strand): 5'-TTTACCGGGTCCCCTCGAATCCCAACATCTCCTCTTTCTCCTTTCTCTCCTCGAGGTCCT[T>A]TATCACCCTAAAGAAAAAGCACAAGTGGATGCTAAAAACTAGATGTTTCCATTTTTATCT-3'
Protein context (NP_004360.2, residues 2129-2149): EKGNPGRRGD[Lys2139Ile]GPRGEKGERG

ClinVar aggregate classification (germline): Uncertain significance (1 of 4 stars; one submission).

Conditions:
Bethlem myopathy 1A. Also called: MYOPATHY, BENIGN CONGENITAL, WITH CONTRACTURES; Bethlem myopathy 1; Bethlem Muscular Dystrophy. Identifiers: Orphanet 610, MedGen CN029274, MONDO:0024530, OMIM 158810.

Submission:

Labcorp Genetics (formerly Invitae), Labcorp
Classification: Uncertain significance for Bethlem myopathy 1A. Last evaluated: 2023-10-05. Review status: criteria provided, single submitter. Criteria: Invitae Variant Classification Sherloc (09022015). Collection method: clinical testing. Allele origin: germline.
Comment: This sequence change replaces lysine, which is basic and polar, with isoleucine, which is neutral and non-polar, at codon 2139 of the COL6A3 protein (p.Lys2139Ile). This variant is not present in population databases (gnomAD no frequency). This variant has not been reported in the literature in individuals affected with COL6A3-related conditions. Advanced modeling of protein sequence and biophysical properties (such as structural, functional, and spatial information, amino acid conservation, physicochemical variation, residue mobility, and thermodynamic stability) performed at Invitae indicates that this missense variant is expected to disrupt COL6A3 protein function. In summary, the available evidence is currently insufficient to determine the role of this variant in disease. Therefore, it has been classified as a Variant of Uncertain Significance.